The following is an entry in ClinVar:

NM_002547.3(OPHN1):c.844A>G (p.Ile282Val)

Gene: OPHN1 (oligophrenin 1; minus strand). Cytogenetic location: Xq12.
Variant type: single nucleotide variant.
Coding change: c.844A>G on transcript NM_002547.3 (MANE Select); coding-DNA position 844, A replaced by G.
Protein change: p.Ile282Val; replaces isoleucine 282 with valine.
Molecular consequence: missense variant.
Genome position (GRCh38, 1-based): chrX:68,206,662, T>C on the plus strand (A>G on the coding strand, the complement: OPHN1 is on the minus strand). VCF-style: chrX-68206662-T-C. GRCh37 (hg19) VCF-style: chrX-67426504-T-C.
Other names: short protein forms I282V.
Identifiers: ClinVar variation 2867196 (VCV002867196.3), dbSNP rs2519799456, ClinGen allele CA413433710.

ClinVar aggregate classification (germline): Uncertain significance (1 of 4 stars; one submission).

Submission:

Labcorp Genetics (formerly Invitae), Labcorp
Classification: Uncertain significance. Last evaluated: 2024-10-23. Review status: criteria provided, single submitter. Criteria: Invitae Variant Classification Sherloc (09022015). Collection method: clinical testing. Allele origin: germline.
Comment: This sequence change replaces isoleucine, which is neutral and non-polar, with valine, which is neutral and non-polar, at codon 282 of the OPHN1 protein (p.Ile282Val). This variant is not present in population databases (gnomAD no frequency). This variant has not been reported in the literature in individuals affected with OPHN1-related conditions. An algorithm developed to predict the effect of missense changes on protein structure and function (PolyPhen-2) suggests that this variant is likely to be tolerated. In summary, the available evidence is currently insufficient to determine the role of this variant in disease. Therefore, it has been classified as a Variant of Uncertain Significance.